The following is an entry in ClinVar:

NM_000179.3(MSH6):c.1984A>T (p.Met662Leu)

Gene: MSH6 (mutS homolog 6; plus strand). Cytogenetic location: 2p16.3.
Variant type: single nucleotide variant.
Coding change: c.1984A>T on transcript NM_000179.3 (MANE Select); coding-DNA position 1984, A replaced by T.
Protein change: p.Met662Leu; replaces methionine 662 with leucine.
Molecular consequence: missense variant.
Genome position (GRCh38, 1-based): chr2:47,799,967, A>T. VCF-style: chr2-47799967-A-T. GRCh37 (hg19) VCF-style: chr2-48027106-A-T.
Other names: c.1594A>T, p.Met532Leu (NM_001281492.2); c.1078A>T, p.Met360Leu (NM_001281493.2, NM_001281494.2); short protein forms M360L, M532L, M662L.
Identifiers: ClinVar variation 998688 (VCV000998688.11), dbSNP rs1060502935, ClinGen allele CA346750632.

ClinVar aggregate classification (germline): Uncertain significance. Review status: criteria provided, multiple submitters, no conflicts (2 of 4 stars). 2 submissions from 2 submitters: Uncertain significance (2). Last evaluated 2024-03-27.

Conditions:
Hereditary nonpolyposis colorectal neoplasms. Identifiers: MedGen C0009405, MeSH D003123.
Hereditary cancer-predisposing syndrome. Also called: Neoplastic Syndromes, Hereditary; Tumor predisposition; Hereditary Cancer Syndrome; Hereditary neoplastic syndrome. Identifiers: Orphanet 140162, MedGen C0027672, MeSH D009386, MONDO:0015356.

gnomAD v4.1: 1 of 1,614,154 alleles (0.000062%); highest among the groups gnomAD compares: Non-Finnish European, 0.000085%; no homozygotes.

Submissions (2):

Labcorp Genetics (formerly Invitae), Labcorp
Classification: Uncertain significance for Hereditary nonpolyposis colorectal neoplasms. Last evaluated: 2024-03-27. Review status: criteria provided, single submitter. Criteria: Invitae Variant Classification Sherloc (09022015). Collection method: clinical testing. Allele origin: germline.
Comment: This sequence change replaces methionine, which is neutral and non-polar, with leucine, which is neutral and non-polar, at codon 662 of the MSH6 protein (p.Met662Leu). This variant is not present in population databases (gnomAD no frequency). This variant has not been reported in the literature in individuals affected with MSH6-related conditions. ClinVar contains an entry for this variant (Variation ID: 998688). Advanced modeling of protein sequence and biophysical properties (such as structural, functional, and spatial information, amino acid conservation, physicochemical variation, residue mobility, and thermodynamic stability) performed at Invitae indicates that this missense variant is not expected to disrupt MSH6 protein function with a negative predictive value of 95%. In summary, the available evidence is currently insufficient to determine the role of this variant in disease. Therefore, it has been classified as a Variant of Uncertain Significance.

Ambry Genetics
Classification: Uncertain significance for Hereditary cancer-predisposing syndrome. Last evaluated: 2020-12-31. Review status: criteria provided, single submitter. Criteria: Ambry Variant Classification Scheme 2023. Collection method: clinical testing. Allele origin: germline.
Comment: The p.M662L variant (also known as c.1984A>T), located in coding exon 4 of the MSH6 gene, results from an A to T substitution at nucleotide position 1984. The methionine at codon 662 is replaced by leucine, an amino acid with highly similar properties. This amino acid position is well conserved in available vertebrate species. In addition, this alteration is predicted to be tolerated by in silico analysis. Since supporting evidence is limited at this time, the clinical significance of this alteration remains unclear.